The following is an entry in ClinVar:

NM_007194.4(CHEK2):c.1417_1428del (p.Ala473_Thr476del)

Gene: CHEK2 (checkpoint kinase 2; minus strand). Cytogenetic location: 22q12.1.
Variant type: Deletion.
Coding change: c.1417_1428del on transcript NM_007194.4 (MANE Select); coding-DNA positions 1417 to 1428, 12 bases deleted (GCACGTTTTACG).
Protein change: p.Ala473_Thr476del.
Molecular consequence: inframe deletion. On other transcripts: inframe indel (4).
Genome position (GRCh38, 1-based): chr22:28,694,065-28,694,076, CGTAAAACGTGC deleted on the plus strand (GCACGTTTTACG on the coding strand, the reverse complement: CHEK2 is on the minus strand); deleting any 12 consecutive bases within chr22:28,694,065-28,694,077 gives the same sequence; the c. name uses the placement nearest the transcript's 3' end. VCF-style (leftmost placement, unchanged base first): chr22-28694064-TCGTAAAACGTGC-T. GRCh37 (hg19) VCF-style: chr22-29090052-TCGTAAAACGTGC-T.
Other names: c.1417_1428delGCACGTTTTACG (NM_007194.3); c.1417_1428del (NM_007194.3); c.1545_1556delGGCACGTTTTAC, p.Ala516_Thr519del (NM_001005735.3); c.753_764delGGCACGTTTTAC, p.Ala252_Thr255del (NM_001257387.3); c.1215_1226delGGCACGTTTTAC, p.Ala406_Thr409del (NM_001349956.3); c.1329_1340delGGCACGTTTTAC, p.Ala444_Thr447del (NM_145862.3).
Identifiers: ClinVar variation 231879 (VCV000231879.26), dbSNP rs876659422, ClinGen allele CA10577630.
Genomic context (GRCh38, chr22:28,694,064, plus strand): 5'-ATGCTAGCAGGCACTGTCCCACACCCACCTGAAGCCACGGGTGTCTTAAGGCTTCTTCTG[TCGTAAAACGTGC>T]CTTTGGATCCACTACCAACAACTTCTTGACAAGGTCCAGAGCTAAAGCAACAATTGGGCA-3'

ClinVar aggregate classification (germline): Conflicting classifications of pathogenicity. Review status: criteria provided, conflicting classifications (1 of 4 stars). 6 submissions from 6 submitters: Likely pathogenic (1); Uncertain significance (4). 1 of the submissions does not count toward it. Last evaluated 2025-09-04.

Conditions:
Hereditary cancer-predisposing syndrome. Also called: Neoplastic Syndromes, Hereditary; Tumor predisposition; Hereditary Cancer Syndrome; Hereditary neoplastic syndrome. Identifiers: Orphanet 140162, MedGen C0027672, MeSH D009386, MONDO:0015356.
CHEK2-related disorder.
Familial cancer of breast. Also called: BREAST CANCER, FAMILIAL; hereditary breast carcinoma; Hereditary breast cancer. Identifiers: Orphanet 227535, MedGen C0346153, MONDO:0016419, OMIM 114480. Disease mechanism: loss of function.

Submissions (6):

GeneDx
Classification: Likely pathogenic. Last evaluated: 2025-09-04. Review status: criteria provided, single submitter. Criteria: GeneDx Variant Classification Process June 2021. Collection method: clinical testing. Allele origin: germline. Affected: yes.
Comment: In-frame deletion of 4 of amino acid(s)in a non-repeat region predicted to critically alter the protein; Published functional studies assessing missense variants within the deleted region (p.Arg474Cys, p.Arg474His, and p.Thr476Met) demonstrate reduced or absent protein function, suggesting that loss of these residues is damaging (PMID: 22114986, 22419737, 27900359, 30851065, 31050813); Observed in individuals with personal or family history consistent with pathogenic variants in this gene referred for genetic testing at GeneDx and in published literature (PMID: 29522266); Not observed at significant frequency in large population cohorts (gnomAD); In silico analysis supports a deleterious effect on protein structure/function; This variant is associated with the following publications: (PMID: 22114986, 22419737, 27900359, 30851065, 31050813, 19782031, 29522266, 32805687)

Ambry Genetics
Classification: Uncertain significance for Hereditary cancer-predisposing syndrome. Last evaluated: 2025-02-07. Review status: criteria provided, single submitter. Criteria: Ambry Variant Classification Scheme 2023. Collection method: clinical testing. Allele origin: germline.
Comment: The c.1417_1428del12 variant (also known as p.A473_T476del) is located in coding exon 12 of the CHEK2 gene. This variant results from an in-frame GCACGTTTTACG deletion at nucleotide positions 1417 to 1428. This results in the in-frame deletion of 4 amino acids starting at codon 473. This alteration was detected in 1/5589 German BRCA1/2-negative probands with breast cancer (Hauke J et al. Cancer Med. 2018 04;7:1349-1358). This amino acid region is not well conserved in available vertebrate species. In addition, this alteration is predicted to be deleterious by in silico analysis (Choi Y et al. PLoS ONE. 2012; 7(10):e46688). Based on the available evidence, the clinical significance of this variant remains unclear.

Labcorp Genetics (formerly Invitae), Labcorp
Classification: Uncertain significance for Familial cancer of breast. Last evaluated: 2024-10-22. Review status: criteria provided, single submitter. Criteria: Invitae Variant Classification Sherloc (09022015). Collection method: clinical testing. Allele origin: germline.
Comment: This variant, c.1417_1428del, results in the deletion of 4 amino acid(s) of the CHEK2 protein (p.Ala473_Thr476del), but otherwise preserves the integrity of the reading frame. This variant is not present in population databases (gnomAD no frequency). This variant has not been reported in the literature in individuals affected with CHEK2-related conditions. ClinVar contains an entry for this variant (Variation ID: 231879). Experimental studies and prediction algorithms are not available or were not evaluated, and the functional significance of this variant is currently unknown. In summary, the available evidence is currently insufficient to determine the role of this variant in disease. Therefore, it has been classified as a Variant of Uncertain Significance.

Baylor Genetics
Classification: Uncertain significance for Familial cancer of breast. Last evaluated: 2023-08-12. Review status: criteria provided, single submitter. Criteria: ACMG Guidelines, 2015. Collection method: clinical testing. Allele origin: unknown.

Women's Health and Genetics/Laboratory Corporation of America, LabCorp
Classification: Uncertain significance. Last evaluated: 2016-10-28. Review status: criteria provided, single submitter. Criteria: LabCorp Variant Classification Summary - May 2015. Collection method: clinical testing. Allele origin: germline.
Comment: Variant summary: The CHEK2 c.1417_1428delGCACGTTTTACG (p.Ala473_Thr476del) variant involves the in-frame deletion of four amino acids located in the protein-kinase domain. One in silico tool predicts a damaging outcome for this variant. This variant is absent in 113468 control chromosomes. One reputable clinical lab has classified the variant as a VUS, while another has classified it as likely pathogenic due to functional data showing a missense variant affecting amino acid 476 to result in abolished kinase activity (Desrichard_2012) and impairment of CHEK2-mediated response to DNA damage (Roeb_2012). The variant of interest has not, to our knowledge, been reported in affected individuals via publications nor evaluated for functional impact by in vivo/vitro studies. Because of the absence of clinical information and the lack of functional studies, the variant is classified as a VUS - possibly pathogenic variant.

PreventionGenetics, part of Exact Sciences
Classification: Uncertain significance for CHEK2-related condition. Last evaluated: 2023-10-30. Review status: no assertion criteria provided. Collection method: clinical testing. Allele origin: germline. Not counted in ClinVar's aggregate classification.
Comment: The CHEK2 c.1417_1428del12 variant is predicted to result in an in-frame deletion (p.Ala473_Thr476del). This variant may be alternatively referred to as NM_001005735.2:c.1546_1557del (p.Ala516_Thr519del). This variant has been reported in al least one individual undergoing multi-gene hereditary cancer panel testing (Table S1, Sutcliffe et al 2020. PubMed ID: 32805687). IT has been reported in an individual with breast cancer (Table S1, Hauke et al. 2018. PubMed ID: 29522266). This variant has not been reported in a large population database, indicating this variant is rare. It has conflicting interpretations of likely pathogenic and uncertain significance in ClinVar. At this time, the clinical significance of this variant is uncertain due to the absence of conclusive functional and genetic evidence.

Literature cited by the submitters: PubMed 29522266 (cited by Ambry Genetics).